The following is an entry in ClinVar:

ClinVar aggregate classification (germline): Pathogenic (1 of 4 stars; one submission).

Allele frequency attached by ClinVar (database versions not stated): gnomAD exomes below 0.00001.
gnomAD v4.1: 3 of 1,614,100 alleles (0.00019%); highest among the groups gnomAD compares: South Asian, 0.0033%; no homozygotes.

Submission:

Labcorp Genetics (formerly Invitae), Labcorp
Classification: Pathogenic. Last evaluated: 2020-07-21. Review status: criteria provided, single submitter. Criteria: Invitae Variant Classification Sherloc (09022015). Collection method: clinical testing. Allele origin: germline.
Comment: This variant is not present in population databases (ExAC no frequency). This sequence change creates a premature translational stop signal (p.Glu564*) in the ERCC6 gene. It is expected to result in an absent or disrupted protein product. This variant has been observed in individual(s) with Cockayne syndrome (PMID: 29572252). For these reasons, this variant has been classified as Pathogenic. Loss-of-function variants in ERCC6 are known to be pathogenic (PMID: 18628313, 29572252).

Literature cited by the submitters: PubMed 29572252; PubMed 18628313.

NM_000124.4(ERCC6):c.1690G>T (p.Glu564Ter)

Gene: ERCC6 (ERCC excision repair 6, chromatin remodeling factor; minus strand). Cytogenetic location: 10q11.23.
Variant type: single nucleotide variant.
Coding change: c.1690G>T on transcript NM_000124.4 (MANE Select); coding-DNA position 1690, G replaced by T.
Protein change: p.Glu564Ter; replaces glutamic acid 564 with a stop codon.
Molecular consequence: nonsense.
Genome position (GRCh38, 1-based): chr10:49,493,248, C>A on the plus strand (G>T on the coding strand, the complement: ERCC6 is on the minus strand). VCF-style: chr10-49493248-C-A. GRCh37 (hg19) VCF-style: chr10-50701294-C-A.
Other names: c.1690G>T, p.Glu564Ter (NM_001346440.2); short protein forms E564*.
Identifiers: ClinVar variation 1070425 (VCV001070425.9), dbSNP rs2132565119, ClinGen allele CA376726672.